The following is an entry in ClinVar:

ClinVar aggregate classification (germline): Likely benign (1 of 4 stars; one submission).

Allele frequency attached by ClinVar (database versions not stated): gnomAD exomes 0.00030; ExAC 0.00097; gnomAD 0.00262; TOPMed 0.00294; 1000 Genomes Project 0.00399; 1000 Genomes Project 30x 0.00453.
gnomAD v4.1: 866 of 1,613,802 alleles (0.054%); highest among the groups gnomAD compares: African/African-American, 0.9%; 6 homozygotes.

Submission:

CeGaT Center for Human Genetics Tuebingen
Classification: Likely benign. Last evaluated: 2023-03-01. Review status: criteria provided, single submitter. Criteria: CeGaT Center For Human Genetics Tuebingen Variant Classification Criteria Version 2. Collection method: clinical testing. Allele origin: germline. Affected: yes. Observed: 1 variant allele.
Comment: YME1L1: BS2

NM_014263.4(YME1L1):c.168+1473C>T

Gene: YME1L1 (YME1 like 1 ATPase; minus strand). Cytogenetic location: 10p12.1.
Variant type: single nucleotide variant.
Coding change: c.168+1473C>T on transcript NM_014263.4 (MANE Select); 1473 bases into the intron after coding-DNA position 168, C replaced by T.
Molecular consequence: intron variant.
Genome position (GRCh38, 1-based): chr10:27,147,433, G>A on the plus strand (C>T on the coding strand, the complement: YME1L1 is on the minus strand). VCF-style: chr10-27147433-G-A. GRCh37 (hg19) VCF-style: chr10-27436362-G-A.
Other names: c.168+1473C>T (NM_001253866.2); c.339+65C>T (NM_139312.3).
Identifiers: ClinVar variation 2498459 (VCV002498459.28), dbSNP rs74126911, ClinGen allele CA5449687.